The following is an entry in ClinVar:

NM_003361.4(UMOD):c.46T>C (p.Ser16Pro)

Gene: UMOD (uromodulin; minus strand). Cytogenetic location: 16p12.3.
Variant type: single nucleotide variant.
Coding change: c.46T>C on transcript NM_003361.4 (MANE Select); coding-DNA position 46, T replaced by C.
Protein change: p.Ser16Pro; replaces serine 16 with proline.
Molecular consequence: missense variant. On other transcripts: non-coding transcript variant (1).
Genome position (GRCh38, 1-based): chr16:20,350,692, A>G on the plus strand (T>C on the coding strand, the complement: UMOD is on the minus strand). VCF-style: chr16-20350692-A-G. GRCh37 (hg19) VCF-style: chr16-20362014-A-G.
Other names: c.46T>C, p.Ser16Pro (NM_001008389.3, NM_001278614.2, NM_001378232.1 and 4 more transcripts); short protein forms S16P.
Identifiers: ClinVar variation 2806657 (VCV002806657.3), dbSNP rs749912886, ClinGen allele CA7939543.
Genomic context (GRCh38, chr16:20,350,692, plus strand): 5'-CACACACTTTTCACTTACTTGCTTCTGAGGTGTCAGTGGCTGCAGTTGTGATGAACCAAG[A>G]GGCCACCACCACCATCAGCATCCAAGTCAGAGATGGCTGCCCCATCCTTTCTGCTCTTCC-3'
Protein context (NP_003352.2, residues 6-26): LTWMLMVVVA[Ser16Pro]WFITTAATDT

ClinVar aggregate classification (germline): Uncertain significance (1 of 4 stars; one submission).

Allele frequency attached by ClinVar (database versions not stated): ExAC 0.00001; TOPMed 0.00002.
gnomAD v4.1: 4 of 1,614,152 alleles (0.00025%); highest among the groups gnomAD compares: South Asian, 0.0022%; no homozygotes.

Submission:

Labcorp Genetics (formerly Invitae), Labcorp
Classification: Uncertain significance. Last evaluated: 2023-10-10. Review status: criteria provided, single submitter. Criteria: Invitae Variant Classification Sherloc (09022015). Collection method: clinical testing. Allele origin: germline.
Comment: This sequence change replaces serine, which is neutral and polar, with proline, which is neutral and non-polar, at codon 16 of the UMOD protein (p.Ser16Pro). This variant is present in population databases (rs749912886, gnomAD 0.003%). This variant has not been reported in the literature in individuals affected with UMOD-related conditions. Advanced modeling of protein sequence and biophysical properties (such as structural, functional, and spatial information, amino acid conservation, physicochemical variation, residue mobility, and thermodynamic stability) performed at Invitae indicates that this missense variant is not expected to disrupt UMOD protein function. In summary, the available evidence is currently insufficient to determine the role of this variant in disease. Therefore, it has been classified as a Variant of Uncertain Significance.